The following is an entry in ClinVar:

ClinVar aggregate classification (germline): Uncertain significance (1 of 4 stars; one submission).

Allele frequency attached by ClinVar (database versions not stated): gnomAD exomes below 0.00001 and 0.00004; gnomAD 0.00001; TOPMed 0.00002.
gnomAD v4.1: 62 of 1,594,834 alleles (0.0039%); highest among the groups gnomAD compares: Non-Finnish European, 0.005%; no homozygotes.

Submission:

Labcorp Genetics (formerly Invitae), Labcorp
Classification: Uncertain significance. Last evaluated: 2023-10-29. Review status: criteria provided, single submitter. Criteria: Invitae Variant Classification Sherloc (09022015). Collection method: clinical testing. Allele origin: germline.
Comment: This sequence change replaces histidine, which is basic and polar, with arginine, which is basic and polar, at codon 434 of the CARMIL2 protein (p.His434Arg). This variant is present in population databases (no rsID available, gnomAD 0.0009%). This variant has not been reported in the literature in individuals affected with CARMIL2-related conditions. ClinVar contains an entry for this variant (Variation ID: 1506563). Advanced modeling of protein sequence and biophysical properties (such as structural, functional, and spatial information, amino acid conservation, physicochemical variation, residue mobility, and thermodynamic stability) performed at Invitae indicates that this missense variant is not expected to disrupt CARMIL2 protein function with a negative predictive value of 80%. In summary, the available evidence is currently insufficient to determine the role of this variant in disease. Therefore, it has been classified as a Variant of Uncertain Significance.

NM_001013838.3(CARMIL2):c.1301A>G (p.His434Arg)

Gene: CARMIL2 (capping protein regulator and myosin 1 linker 2; plus strand). Cytogenetic location: 16q22.1.
Variant type: single nucleotide variant.
Coding change: c.1301A>G on transcript NM_001013838.3 (MANE Select); coding-DNA position 1301, A replaced by G.
Protein change: p.His434Arg; replaces histidine 434 with arginine.
Molecular consequence: missense variant.
Genome position (GRCh38, 1-based): chr16:67,648,281, A>G. VCF-style: chr16-67648281-A-G. GRCh37 (hg19) VCF-style: chr16-67682184-A-G.
Other names: c.1193A>G, p.His398Arg (NM_001317026.3); short protein forms H398R, H434R.
Identifiers: ClinVar variation 1506563 (VCV001506563.6), dbSNP rs992954364, ClinGen allele CA283203944.